The following is an entry in ClinVar:

ClinVar aggregate classification (germline): Uncertain significance (1 of 4 stars; one submission).

Conditions:
Charcot-Marie-Tooth disease axonal type 2O. Also called: CHARCOT-MARIE-TOOTH NEUROPATHY, AXONAL, TYPE 2O; CHARCOT-MARIE-TOOTH DISEASE, AXONAL, AUTOSOMAL DOMINANT, TYPE 2O; Charcot-Marie-Tooth Neuropathy Type 2O; Charcot-Marie-Tooth disease, axonal, type 20. Identifiers: Orphanet 284232, MedGen C3280220, MONDO:0013644, OMIM 614228.

Allele frequency attached by ClinVar (database versions not stated): gnomAD exomes below 0.00001; gnomAD 0.00001; TOPMed 0.00001.
gnomAD v4.1: 3 of 1,614,146 alleles (0.00019%); highest among the groups gnomAD compares: Admixed American, 0.005%; no homozygotes.

Submission:

Labcorp Genetics (formerly Invitae), Labcorp
Classification: Uncertain significance for Charcot-Marie-Tooth disease axonal type 2O. Last evaluated: 2021-07-28. Review status: criteria provided, single submitter. Criteria: Invitae Variant Classification Sherloc (09022015). Collection method: clinical testing. Allele origin: germline.
Comment: This variant has not been reported in the literature in individuals affected with DYNC1H1-related conditions. In summary, the available evidence is currently insufficient to determine the role of this variant in disease. Therefore, it has been classified as a Variant of Uncertain Significance. Advanced modeling of protein sequence and biophysical properties (such as structural, functional, and spatial information, amino acid conservation, physicochemical variation, residue mobility, and thermodynamic stability) performed at Invitae indicates that this missense variant is not expected to disrupt DYNC1H1 protein function. This variant is not present in population databases (ExAC no frequency). This sequence change replaces phenylalanine with leucine at codon 2622 of the DYNC1H1 protein (p.Phe2622Leu). The phenylalanine residue is highly conserved and there is a small physicochemical difference between phenylalanine and leucine.

NM_001376.5(DYNC1H1):c.7864T>C (p.Phe2622Leu)

Gene: DYNC1H1 (dynein cytoplasmic 1 heavy chain 1; plus strand). Cytogenetic location: 14q32.31.
Variant type: single nucleotide variant.
Coding change: c.7864T>C on transcript NM_001376.5 (MANE Select); coding-DNA position 7864, T replaced by C.
Protein change: p.Phe2622Leu; replaces phenylalanine 2622 with leucine.
Molecular consequence: missense variant.
Genome position (GRCh38, 1-based): chr14:102,017,103, T>C. VCF-style: chr14-102017103-T-C. GRCh37 (hg19) VCF-style: chr14-102483440-T-C.
Other names: short protein forms F2622L.
Identifiers: ClinVar variation 1404446 (VCV001404446.6), dbSNP rs1237088147, ClinGen allele CA391003348.